The following is an entry in ClinVar:

NM_024989.4(PGAP1):c.807+5T>C

Gene: PGAP1 (post-GPI attachment to proteins inositol deacylase 1; minus strand). Cytogenetic location: 2q33.1.
Variant type: single nucleotide variant.
Coding change: c.807+5T>C on transcript NM_024989.4 (MANE Select); 5 bases into the intron after coding-DNA position 807, T replaced by C.
Molecular consequence: intron variant.
Genome position (GRCh38, 1-based): chr2:196,902,580, A>G on the plus strand (T>C on the coding strand, the complement: PGAP1 is on the minus strand). VCF-style: chr2-196902580-A-G. GRCh37 (hg19) VCF-style: chr2-197767304-A-G.
Other names: c.-305+5T>C (NM_001321100.2); c.285+5T>C (NM_001321099.2).
Identifiers: ClinVar variation 2078703 (VCV002078703.4), dbSNP rs2468690175, ClinGen allele CA2580065457.

ClinVar aggregate classification (germline): Uncertain significance (1 of 4 stars; one submission).

Conditions:
Intellectual disability, autosomal recessive 42 (NEDDSBA). Also called: GLYCOSYLPHOSPHATIDYLINOSITOL BIOSYNTHESIS DEFECT 9; Neurodevelopmental disorder with dysmorphic features, spasticity, and brain abnormalities. Identifiers: Orphanet 88616, MedGen C4014343, MONDO:0014348, OMIM 615802.

Submission:

Labcorp Genetics (formerly Invitae), Labcorp
Classification: Uncertain significance for Intellectual disability, autosomal recessive 42. Last evaluated: 2022-01-11. Review status: criteria provided, single submitter. Criteria: Invitae Variant Classification Sherloc (09022015). Collection method: clinical testing. Allele origin: germline.
Comment: In summary, the available evidence is currently insufficient to determine the role of this variant in disease. Therefore, it has been classified as a Variant of Uncertain Significance. Variants that disrupt the consensus splice site are a relatively common cause of aberrant splicing (PMID: 17576681, 9536098). Algorithms developed to predict the effect of sequence changes on RNA splicing suggest that this variant is not likely to affect RNA splicing. This variant has not been reported in the literature in individuals affected with PGAP1-related conditions. This variant is not present in population databases (gnomAD no frequency). This sequence change falls in intron 5 of the PGAP1 gene. It does not directly change the encoded amino acid sequence of the PGAP1 protein. It affects a nucleotide within the consensus splice site.

Literature cited by the submitters: PubMed 17576681; PubMed 9536098.